The following is an entry in ClinVar:

NM_002047.4(GARS1):c.5C>T (p.Pro2Leu)

Gene: GARS1 (glycyl-tRNA synthetase 1; plus strand). Cytogenetic location: 7p14.3.
Variant type: single nucleotide variant.
Coding change: c.5C>T on transcript NM_002047.4 (MANE Select); coding-DNA position 5, C replaced by T.
Protein change: p.Pro2Leu; replaces proline 2 with leucine.
Molecular consequence: missense variant. On other transcripts: 5 prime UTR variant (1).
Genome position (GRCh38, 1-based): chr7:30,594,926, C>T. VCF-style: chr7-30594926-C-T. GRCh37 (hg19) VCF-style: chr7-30634542-C-T.
Other names: c.-158C>T (NM_001316772.1); short protein forms P2L.
Identifiers: ClinVar variation 2805168 (VCV002805168.3), dbSNP rs1791207802, ClinGen allele CA367138377.
Genomic context (GRCh38, chr7:30,594,926, plus strand): 5'-GCGGCGCGCGCCGCTTCCGTCGCCACCCTCTCTGGACAGCCCAGGGCCGCAGGCTCATGC[C>T]CTCTCCGCGTCCAGTGCTGCTTAGAGGTGCTCGCGCCGCTCTGCTGCTGCTGCTGCCGCC-3'
Protein context (NP_002038.2, residues 1-12): M[Pro2Leu]SPRPVLLRGA

ClinVar aggregate classification (germline): Uncertain significance (1 of 4 stars; one submission).

Conditions:
Charcot-Marie-Tooth disease type 2. Also called: Charcot-Marie-Tooth type 2. Identifiers: Orphanet 64746, MedGen C0270914, MONDO:0018993.

gnomAD v4.1: 1 of 1,586,764 alleles (0.000063%); highest among the groups gnomAD compares: Non-Finnish European, 0.000085%; no homozygotes.

Submission:

Labcorp Genetics (formerly Invitae), Labcorp
Classification: Uncertain significance for Charcot-Marie-Tooth disease type 2. Last evaluated: 2024-07-22. Review status: criteria provided, single submitter. Criteria: Invitae Variant Classification Sherloc (09022015). Collection method: clinical testing. Allele origin: germline.
Comment: This sequence change replaces proline, which is neutral and non-polar, with leucine, which is neutral and non-polar, at codon 2 of the GARS protein (p.Pro2Leu). This variant is not present in population databases (gnomAD no frequency). This variant has not been reported in the literature in individuals affected with GARS-related conditions. Advanced modeling of protein sequence and biophysical properties (such as structural, functional, and spatial information, amino acid conservation, physicochemical variation, residue mobility, and thermodynamic stability) performed at Invitae indicates that this missense variant is not expected to disrupt GARS protein function with a negative predictive value of 95%. In summary, the available evidence is currently insufficient to determine the role of this variant in disease. Therefore, it has been classified as a Variant of Uncertain Significance.